The following is an entry in ClinVar:

NM_000665.5(ACHE):c.101G>A (p.Arg34Gln)

Gene: ACHE (acetylcholinesterase (Yt blood group); minus strand). Cytogenetic location: 7q22.1.
Variant type: single nucleotide variant.
Coding change: c.101G>A on transcript NM_000665.5 (MANE Select); coding-DNA position 101, G replaced by A.
Protein change: p.Arg34Gln; replaces arginine 34 with glutamine.
Molecular consequence: missense variant. On other transcripts: non-coding transcript variant (2).
Genome position (GRCh38, 1-based): chr7:100,894,132, C>T on the plus strand (G>A on the coding strand, the complement: ACHE is on the minus strand). VCF-style: chr7-100894132-C-T. GRCh37 (hg19) VCF-style: chr7-100491753-C-T.
Other names: NM_015831.2:c.101G>A; c.101G>A, p.Arg34Gln (NM_001282449.2, NM_001302621.3, NM_001302622.2 and 2 more transcripts); c.302G>A, p.Arg101Gln (NM_001367918.1); c.299G>A, p.Arg100Gln (NM_001367919.2); short protein forms R100Q, R101Q, R34Q.
Identifiers: ClinVar variation 785228 (VCV000785228.7), dbSNP rs17881553, ClinGen allele CA4396615.
Genomic context (GRCh38, chr7:100,894,132, plus strand): 5'-TTCAGGCGAATGCCCCGCAGCCGGCCCCCACGCACCGTCACCAGCAGCTCTGCATCCTCC[C>T]GGCCCTCAGCCCCCACTCCTCCACCCAGGAGCCAGAGGAGGAGGAGAAGGAGTGGGGAAG-3'
Protein context (NP_000656.1, residues 24-44): LLGGGVGAEG[Arg34Gln]EDAELLVTVR

ClinVar aggregate classification (germline): Benign. Review status: criteria provided, multiple submitters, no conflicts (2 of 4 stars). 3 submissions from 3 submitters: Benign (2). 1 of the submissions does not count toward it. Last evaluated 2019-12-31.

Conditions:
ACHE-related disorder. Also called: ACHE-related condition.

Allele frequency attached by ClinVar (database versions not stated): gnomAD exomes 0.00275; gnomAD 0.00858 and 0.00796; 1000 Genomes Project 30x 0.00515; ExAC 0.00542; 1000 Genomes Project 0.00599; ESP Exome Variant Server 0.00842; TOPMed 0.00844.
gnomAD v4.1: 2,343 of 1,490,604 alleles (0.16%); highest among the groups gnomAD compares: African/African-American, 2.7%; 22 homozygotes.

Submissions (3):

Labcorp Genetics (formerly Invitae), Labcorp
Classification: Benign. Last evaluated: 2019-12-31. Review status: criteria provided, single submitter. Criteria: Invitae Variant Classification Sherloc (09022015). Collection method: clinical testing. Allele origin: germline.

Breakthrough Genomics
Classification: Benign. Review status: criteria provided, single submitter. Criteria: ACMG Guidelines, 2015. Collection method: not provided. Allele origin: germline. Inheritance: Unknown mechanism. Affected: yes.

PreventionGenetics, part of Exact Sciences
Classification: Benign for ACHE-related condition. Last evaluated: 2021-04-09. Review status: no assertion criteria provided. Collection method: clinical testing. Allele origin: germline. Not counted in ClinVar's aggregate classification.
Comment: This variant is classified as benign based on ACMG/AMP sequence variant interpretation guidelines (Richards et al. 2015 PMID: 25741868, with internal and published modifications).